The following is an entry in ClinVar:

NM_201525.4(ADGRG1):c.1969C>A (p.Leu657Met)

Gene: ADGRG1 (adhesion G protein-coupled receptor G1; plus strand). Cytogenetic location: 16q21.
Variant type: single nucleotide variant.
Coding change: c.1969C>A on transcript NM_201525.4 (MANE Select); coding-DNA position 1969, C replaced by A.
Protein change: p.Leu657Met; replaces leucine 657 with methionine.
Molecular consequence: missense variant.
Genome position (GRCh38, 1-based): chr16:57,663,487, C>A. VCF-style: chr16-57663487-C-A. GRCh37 (hg19) VCF-style: chr16-57697399-C-A.
Other names: c.1969C>A, p.Leu657Met (NM_001145770.3, NM_001145772.3, NM_001145774.3 and 7 more transcripts); c.1987C>A, p.Leu663Met (NM_001145771.3, NM_001370428.1, NM_001370429.1 and 4 more transcripts); c.1984C>A, p.Leu662Met (NM_001145773.3, NM_001370433.1, NM_001370434.1); c.1477C>A, p.Leu493Met (NM_001290142.2); c.1462C>A, p.Leu488Met (NM_001290143.2); c.1444C>A, p.Leu482Met (NM_001290144.2, NM_001370451.1, NM_001370453.1 and 1 more transcripts); c.1966C>A, p.Leu656Met (NM_001370441.1); c.1813C>A, p.Leu605Met (NM_001370442.1); short protein forms L482M, L488M, L493M, L605M, L656M, L657M, L662M, L663M.
Identifiers: ClinVar variation 1713882 (VCV001713882.5), dbSNP rs2545588152, ClinGen allele CA396054757.

ClinVar aggregate classification (germline): Uncertain significance (1 of 4 stars; one submission).

Submission:

Labcorp Genetics (formerly Invitae), Labcorp
Classification: Uncertain significance. Last evaluated: 2022-08-08. Review status: criteria provided, single submitter. Criteria: Invitae Variant Classification Sherloc (09022015). Collection method: clinical testing. Allele origin: germline.
Comment: Advanced modeling of protein sequence and biophysical properties (such as structural, functional, and spatial information, amino acid conservation, physicochemical variation, residue mobility, and thermodynamic stability) performed at Invitae indicates that this missense variant is not expected to disrupt ADGRG1 protein function. This sequence change replaces leucine, which is neutral and non-polar, with methionine, which is neutral and non-polar, at codon 663 of the ADGRG1 protein (p.Leu663Met). This variant is not present in population databases (gnomAD no frequency). This variant has not been reported in the literature in individuals affected with ADGRG1-related conditions. In summary, the available evidence is currently insufficient to determine the role of this variant in disease. Therefore, it has been classified as a Variant of Uncertain Significance.